The following is an entry in ClinVar:

ClinVar aggregate classification (germline): Uncertain significance. Review status: criteria provided, multiple submitters, no conflicts (2 of 4 stars). 2 submissions from 2 submitters: Uncertain significance (2). Last evaluated 2025-03-31.

gnomAD v4.1: 3 of 1,613,952 alleles (0.00019%); highest among the groups gnomAD compares: African/African-American, 0.004%; no homozygotes.

Submissions (2):

Ambry Genetics
Classification: Uncertain significance. Last evaluated: 2025-03-31. Review status: criteria provided, single submitter. Criteria: Ambry Variant Classification Scheme 2023. Collection method: clinical testing. Allele origin: germline.

GeneDx
Classification: Uncertain significance. Last evaluated: 2022-08-04. Review status: criteria provided, single submitter. Criteria: GeneDx Variant Classification Process June 2021. Collection method: clinical testing. Allele origin: germline.
Comment: Not observed at significant frequency in large population cohorts (gnomAD); In silico analysis supports that this missense variant has a deleterious effect on protein structure/function; Has not been previously published as pathogenic or benign to our knowledge; Variants in candidate genes are classified as variants of uncertain significance in accordance with ACMG guidelines (Richards et al., 2015)

NM_002332.3(LRP1):c.13447G>T (p.Asp4483Tyr)

Gene: LRP1 (LDL receptor related protein 1; plus strand). Cytogenetic location: 12q13.3.
Variant type: single nucleotide variant.
Coding change: c.13447G>T on transcript NM_002332.3 (MANE Select); coding-DNA position 13447, G replaced by T.
Protein change: p.Asp4483Tyr; replaces aspartic acid 4483 with tyrosine.
Molecular consequence: missense variant.
Genome position (GRCh38, 1-based): chr12:57,212,214, G>T. VCF-style: chr12-57212214-G-T. GRCh37 (hg19) VCF-style: chr12-57605997-G-T.
Other names: short protein forms D4483Y.
Identifiers: ClinVar variation 4048569 (VCV004048569.2).